The following is an entry in ClinVar:

NM_003000.3(SDHB):c.404T>C (p.Val135Ala)

Gene: SDHB (succinate dehydrogenase complex iron sulfur subunit B; minus strand). Cytogenetic location: 1p36.13.
Variant type: single nucleotide variant.
Coding change: c.404T>C on transcript NM_003000.3 (MANE Select); coding-DNA position 404, T replaced by C.
Protein change: p.Val135Ala; replaces valine 135 with alanine.
Molecular consequence: missense variant. On other transcripts: intron variant (1).
Genome position (GRCh38, 1-based): chr1:17,028,619, A>G on the plus strand (T>C on the coding strand, the complement: SDHB is on the minus strand). VCF-style: chr1-17028619-A-G. GRCh37 (hg19) VCF-style: chr1-17355114-A-G.
Other names: c.369+35T>C (NM_001407361.1); short protein forms V135A.
Identifiers: ClinVar variation 3071913 (VCV003071913.1), dbSNP rs2525020340, ClinGen allele CA338274046.

ClinVar aggregate classification (germline): Uncertain significance (1 of 4 stars; one submission).

Conditions:
Hereditary pheochromocytoma and paraganglioma. Also called: Hereditary pheochromocytoma-paraganglioma; Hereditary Paraganglioma-Pheochromocytoma Syndromes; Hereditary paragangliomas and pheochromocytomas. Identifiers: Orphanet 29072, MedGen C4274332, MONDO:0017366.

Submission:

All of Us Research Program, National Institutes of Health
Classification: Uncertain significance for Hereditary pheochromocytoma and paraganglioma. Last evaluated: 2023-06-26. Review status: criteria provided, single submitter. Criteria: ACMG Guidelines, 2015. Collection method: clinical testing. Allele origin: germline. Inheritance: Autosomal dominant inheritance. Observed: 1 variant allele, 1 heterozygote.
Comment: This missense variant replaces valine with alanine at codon 135 of the SDHB protein. Computational prediction suggests that this variant may have deleterious impact on protein structure and function (internally defined REVEL score threshold >= 0.7, PMID: 27666373). To our knowledge, functional studies have not been reported for this variant. This variant has not been reported in individuals affected with SDHB-related disorders in the literature. This variant has not been identified in the general population by the Genome Aggregation Database (gnomAD). The available evidence is insufficient to determine the role of this variant in disease conclusively. Therefore, this variant is classified as a Variant of Uncertain Significance.

This study involves interpretation of variants in research participants for the purpose of population health screening. Participant phenotype was not available at the time of variant classification. Additional details can be found in publication PMID: 35346344, PMCID: PMC8962531